The following is an entry in ClinVar:

NM_020232.5(PSMG2):c.143A>T (p.Tyr48Phe)

Gene: PSMG2 (proteasome assembly chaperone 2; plus strand). Cytogenetic location: 18p11.21.
Variant type: single nucleotide variant.
Coding change: c.143A>T on transcript NM_020232.5 (MANE Select); coding-DNA position 143, A replaced by T.
Protein change: p.Tyr48Phe; replaces tyrosine 48 with phenylalanine.
Molecular consequence: missense variant.
Genome position (GRCh38, 1-based): chr18:12,706,635, A>T. VCF-style: chr18-12706635-A-T. GRCh37 (hg19) VCF-style: chr18-12706634-A-T.
Other names: c.50A>T, p.Tyr17Phe (NM_147163.2); short protein forms Y48F, Y17F.
Identifiers: ClinVar variation 2789951 (VCV002789951.3), dbSNP rs2510987321, ClinGen allele CA401965097.

ClinVar aggregate classification (germline): Uncertain significance (1 of 4 stars; one submission).

Submission:

Labcorp Genetics (formerly Invitae), Labcorp
Classification: Uncertain significance. Last evaluated: 2025-02-17. Review status: criteria provided, single submitter. Criteria: Invitae Variant Classification Sherloc (09022015). Collection method: clinical testing. Allele origin: germline.
Comment: This sequence change replaces tyrosine, which is neutral and polar, with phenylalanine, which is neutral and non-polar, at codon 48 of the PSMG2 protein (p.Tyr48Phe). This variant is not present in population databases (gnomAD no frequency). This variant has not been reported in the literature in individuals affected with PSMG2-related conditions. ClinVar contains an entry for this variant (Variation ID: 2789951). An algorithm developed to predict the effect of missense changes on protein structure and function (PolyPhen-2) suggests that this variant is likely to be disruptive. In summary, the available evidence is currently insufficient to determine the role of this variant in disease. Therefore, it has been classified as a Variant of Uncertain Significance.